The following is an entry in ClinVar:

NM_001031679.3(MSRB3):c.89A>G (p.Asp30Gly)

Gene: MSRB3 (methionine sulfoxide reductase B3; plus strand). Cytogenetic location: 12q14.3.
Variant type: single nucleotide variant.
Coding change: c.89A>G on transcript NM_001031679.3 (MANE Select); coding-DNA position 89, A replaced by G.
Protein change: p.Asp30Gly; replaces aspartic acid 30 with glycine.
Molecular consequence: missense variant.
Genome position (GRCh38, 1-based): chr12:65,326,838, A>G. VCF-style: chr12-65326838-A-G. GRCh37 (hg19) VCF-style: chr12-65720618-A-G.
Other names: c.89A>G, p.Asp30Gly (NM_001193460.2, NM_001193461.2); c.110A>G, p.Asp37Gly (NM_198080.4); short protein forms D37G, D30G.
Identifiers: ClinVar variation 3365358 (VCV003365358.2).

ClinVar aggregate classification (germline): Uncertain significance. Review status: criteria provided, multiple submitters, no conflicts (2 of 4 stars). 2 submissions from 2 submitters: Uncertain significance (2). Last evaluated 2025-05-18.

Conditions:
Inborn genetic diseases. Identifiers: MedGen C0950123, MeSH D030342.

gnomAD v4.1: 4 of 1,613,116 alleles (0.00025%); highest among the groups gnomAD compares: Non-Finnish European, 0.000085%; no homozygotes.

Submissions (2):

Ambry Genetics
Classification: Uncertain significance for Inborn genetic diseases. Last evaluated: 2025-05-18. Review status: criteria provided, single submitter. Criteria: Ambry Variant Classification Scheme 2023. Collection method: clinical testing. Allele origin: germline.

GeneDx
Classification: Uncertain significance. Last evaluated: 2023-12-08. Review status: criteria provided, single submitter. Criteria: GeneDx Variant Classification Process June 2021. Collection method: clinical testing. Allele origin: germline. Affected: yes.
Comment: Not observed at significant frequency in large population cohorts (gnomAD); In silico analysis supports that this missense variant does not alter protein structure/function; Has not been previously published as pathogenic or benign to our knowledge